The following is an entry in ClinVar:

NM_001377540.1(SLMAP):c.1464C>A (p.Asp488Glu)

Gene: SLMAP (sarcolemma associated protein; plus strand). Cytogenetic location: 3p14.3.
Variant type: single nucleotide variant.
Coding change: c.1464C>A on transcript NM_001377540.1 (MANE Select); coding-DNA position 1464, C replaced by A.
Protein change: p.Asp488Glu; replaces aspartic acid 488 with glutamic acid.
Molecular consequence: missense variant. On other transcripts: non-coding transcript variant (1).
Genome position (GRCh38, 1-based): chr3:57,896,895, C>A. VCF-style: chr3-57896895-C-A. GRCh37 (hg19) VCF-style: chr3-57882622-C-A.
Other names: c.1413C>A, p.Asp471Glu (NM_001304420.3, NM_001377541.1, NM_001377542.1 and 2 more transcripts); c.1299C>A, p.Asp433Glu (NM_001304421.2, NM_001377557.1, NM_001377559.1 and 1 more transcripts); c.15C>A, p.Asp5Glu (NM_001304422.3, NM_001304423.3, NM_001311178.2 and 4 more transcripts); c.1464C>A, p.Asp488Glu (NM_001377538.1, NM_001377539.1, NM_001377555.1); c.1401C>A, p.Asp467Glu (NM_001377545.1, NM_001377922.1); c.1362C>A, p.Asp454Glu (NM_001377549.1, NM_001377923.1, NM_007159.5); c.1350C>A, p.Asp450Glu (NM_001377551.1, NM_001377552.1, NM_001377924.1); short protein forms D5E, D471E, D433E, D467E, D450E, D454E, D488E.
Identifiers: ClinVar variation 1770857 (VCV001770857.2), dbSNP rs145697950, ClinGen allele CA2467151.

ClinVar aggregate classification (germline): Uncertain significance (1 of 4 stars; one submission).

Allele frequency attached by ClinVar (database versions not stated): ExAC 0.00001; gnomAD 0.00002; TOPMed 0.00002; ESP Exome Variant Server 0.00008.
gnomAD v4.1: 3 of 1,611,038 alleles (0.00019%); highest among the groups gnomAD compares: African/African-American, 0.004%; no homozygotes.

Submission:

Ambry Genetics
Classification: Uncertain significance. Last evaluated: 2022-10-02. Review status: criteria provided, single submitter. Criteria: Ambry Variant Classification Scheme 2023. Collection method: clinical testing. Allele origin: germline.
Comment: The p.D454E variant (also known as c.1362C>A), located in coding exon 14 of the SLMAP gene, results from a C to A substitution at nucleotide position 1362. The aspartic acid at codon 454 is replaced by glutamic acid, an amino acid with highly similar properties. This amino acid position is conserved. In addition, this alteration is predicted to be tolerated by in silico analysis. Since supporting evidence is limited at this time, the clinical significance of this alteration remains unclear.